The following is an entry in ClinVar:

NM_032578.4(MYPN):c.3464A>G (p.Asn1155Ser)

Gene: MYPN (myopalladin; plus strand). Cytogenetic location: 10q21.3.
Variant type: single nucleotide variant.
Coding change: c.3464A>G on transcript NM_032578.4 (MANE Select); coding-DNA position 3464, A replaced by G.
Protein change: p.Asn1155Ser; replaces asparagine 1155 with serine.
Molecular consequence: missense variant. On other transcripts: non-coding transcript variant (2).
Genome position (GRCh38, 1-based): chr10:68,199,546, A>G. VCF-style: chr10-68199546-A-G. GRCh37 (hg19) VCF-style: chr10-69959303-A-G.
Other names: c.3464A>G, p.Asn1155Ser (NM_001256267.2); c.2582A>G, p.Asn861Ser (NM_001256268.2); short protein forms N1155S, N861S.
Identifiers: ClinVar variation 1731662 (VCV001731662.2), dbSNP rs2043673990, ClinGen allele CA376859377.

ClinVar aggregate classification (germline): Uncertain significance (1 of 4 stars; one submission).

Conditions:
Cardiovascular phenotype. Identifiers: MedGen CN230736.

Allele frequency attached by ClinVar (database versions not stated): gnomAD exomes below 0.00001; TOPMed below 0.00001.
gnomAD v4.1: 1 of 1,613,600 alleles (0.000062%); highest among the groups gnomAD compares: African/African-American, 0.0013%; no homozygotes.

Submission:

Ambry Genetics
Classification: Uncertain significance for Cardiovascular phenotype. Last evaluated: 2021-08-16. Review status: criteria provided, single submitter. Criteria: Ambry Variant Classification Scheme 2023. Collection method: clinical testing. Allele origin: germline.
Comment: The p.N1155S variant (also known as c.3464A>G), located in coding exon 16 of the MYPN gene, results from an A to G substitution at nucleotide position 3464. The asparagine at codon 1155 is replaced by serine, an amino acid with highly similar properties. This amino acid position is conserved. In addition, this alteration is predicted to be tolerated by in silico analysis. Since supporting evidence is limited at this time, the clinical significance of this alteration remains unclear.